The following is an entry in ClinVar:

NM_014254.3(RXYLT1):c.113G>A (p.Gly38Glu)

Gene: RXYLT1 (ribitol xylosyltransferase 1; plus strand). Cytogenetic location: 12q14.2.
Variant type: single nucleotide variant.
Coding change: c.113G>A on transcript NM_014254.3 (MANE Select); coding-DNA position 113, G replaced by A.
Protein change: p.Gly38Glu; replaces glycine 38 with glutamic acid.
Molecular consequence: missense variant.
Genome position (GRCh38, 1-based): chr12:63,780,073, G>A. VCF-style: chr12-63780073-G-A. GRCh37 (hg19) VCF-style: chr12-64173853-G-A.
Other names: c.113G>A (NM_014254.1); short protein forms G38E.
Identifiers: ClinVar variation 473411 (VCV000473411.41), dbSNP rs376486641, ClinGen allele CA6665989.
Genomic context (GRCh38, chr12:63,780,073, plus strand): 5'-TATTCTCCCTCTACGCTGCCTACCACGTCTTCTTCGGGCGCCGCCGCCAGGCGCCGGCCG[G>A]GTCCCCGCGGGGCCTCAGGAAGGGGGCGGCCCCCGCGCGGGAGAGACGCGGCCGAGGTAG-3'
Protein context (NP_055069.1, residues 28-48): FFGRRRQAPA[Gly38Glu]SPRGLRKGAA

ClinVar aggregate classification (germline): Uncertain significance. Review status: criteria provided, multiple submitters, no conflicts (2 of 4 stars). 3 submissions from 3 submitters: Uncertain significance (3). Last evaluated 2024-11-10.

Conditions:
Inborn genetic diseases. Identifiers: MedGen C0950123, MeSH D030342.

Allele frequency attached by ClinVar (database versions not stated): gnomAD 0.00001 and 0.00003; gnomAD exomes 0.00003 and 0.00005; TOPMed 0.00003; ESP Exome Variant Server 0.00008; ExAC 0.00009.
gnomAD v4.1: 45 of 1,598,430 alleles (0.0028%); highest among the groups gnomAD compares: Middle Eastern, 0.033%; 1 homozygote.

Submissions (3):

Ambry Genetics
Classification: Uncertain significance for Inborn genetic diseases. Last evaluated: 2024-11-10. Review status: criteria provided, single submitter. Criteria: Ambry Variant Classification Scheme 2023. Collection method: clinical testing. Allele origin: germline.

Labcorp Genetics (formerly Invitae), Labcorp
Classification: Uncertain significance. Last evaluated: 2022-07-25. Review status: criteria provided, single submitter. Criteria: Invitae Variant Classification Sherloc (09022015). Collection method: clinical testing. Allele origin: germline.
Comment: This sequence change replaces glycine, which is neutral and non-polar, with glutamic acid, which is acidic and polar, at codon 38 of the RXYLT1 protein (p.Gly38Glu). This variant is present in population databases (rs376486641, gnomAD 0.02%). This variant has not been reported in the literature in individuals affected with RXYLT1-related conditions. ClinVar contains an entry for this variant (Variation ID: 473411). Algorithms developed to predict the effect of missense changes on protein structure and function (SIFT, PolyPhen-2, Align-GVGD) all suggest that this variant is likely to be tolerated. In summary, the available evidence is currently insufficient to determine the role of this variant in disease. Therefore, it has been classified as a Variant of Uncertain Significance.

CeGaT Center for Human Genetics Tuebingen
Classification: Uncertain significance. Last evaluated: 2021-06-01. Review status: criteria provided, single submitter. Criteria: CeGaT Center For Human Genetics Tuebingen Variant Classification Criteria Version 2. Collection method: clinical testing. Allele origin: germline. Affected: yes. Observed: 1 variant allele.